The following is an entry in ClinVar:

NM_006755.2(TALDO1):c.835+6G>A

Gene: TALDO1 (transaldolase 1; plus strand). Cytogenetic location: 11p15.5.
Variant type: single nucleotide variant.
Coding change: c.835+6G>A on transcript NM_006755.2 (MANE Select); 6 bases into the intron after coding-DNA position 835, G replaced by A.
Molecular consequence: intron variant.
Genome position (GRCh38, 1-based): chr11:763,950, G>A. VCF-style: chr11-763950-G-A. GRCh37 (hg19) VCF-style: chr11-763950-G-A.
Identifiers: ClinVar variation 4989276 (VCV004989276.1).

ClinVar aggregate classification (germline): Likely benign (1 of 4 stars; one submission).

Conditions:
TALDO1-related disorder. Also called: TALDO1-related condition.

Submission:

PreventionGenetics, part of Exact Sciences
Classification: Likely benign for TALDO1-related condition. Last evaluated: 2024-10-18. Review status: criteria provided, single submitter. Criteria: ACMG Guidelines, 2015. Collection method: clinical testing. Allele origin: germline.
Comment: This variant is classified as likely benign based on ACMG/AMP sequence variant interpretation guidelines (Richards et al. 2015 PMID: 25741868, with internal and published modifications).